The following is an entry in ClinVar:

ClinVar aggregate classification (germline): Uncertain significance (1 of 4 stars; one submission).

Conditions:
Primary ciliary dyskinesia 23 (CILD23). Also called: CILIARY DYSKINESIA, PRIMARY, 23, WITH OR WITHOUT SITUS INVERSUS. Identifiers: Orphanet 244, MedGen C3809548, MONDO:0014193, OMIM 615451.

Allele frequency attached by ClinVar (database versions not stated): gnomAD exomes below 0.00001; ExAC 0.00001.
gnomAD v4.1: 1 of 1,613,930 alleles (0.000062%); highest among the groups gnomAD compares: Admixed American, 0.0017%; no homozygotes.

Submission:

Labcorp Genetics (formerly Invitae), Labcorp
Classification: Uncertain significance for Primary ciliary dyskinesia 23. Last evaluated: 2020-01-26. Review status: criteria provided, single submitter. Criteria: Invitae Variant Classification Sherloc (09022015). Collection method: clinical testing. Allele origin: germline.
Comment: In summary, the available evidence is currently insufficient to determine the role of this variant in disease. Therefore, it has been classified as a Variant of Uncertain Significance. Algorithms developed to predict the effect of sequence changes on RNA splicing suggest that this variant may disrupt the consensus splice site, but this prediction has not been confirmed by published transcriptional studies. Algorithms developed to predict the effect of missense changes on protein structure and function are either unavailable or do not agree on the potential impact of this missense change (SIFT: "Deleterious"; PolyPhen-2: "Possibly Damaging"; Align-GVGD: "Class C0"). This variant has not been reported in the literature in individuals with ARMC4-related conditions. This variant is present in population databases (rs749842787, ExAC 0.009%). This sequence change replaces glutamic acid with valine at codon 662 of the ARMC4 protein (p.Glu662Val). The glutamic acid residue is highly conserved and there is a moderate physicochemical difference between glutamic acid and valine.

NM_018076.5(ODAD2):c.1985A>T (p.Glu662Val)

Gene: ODAD2 (outer dynein arm docking complex subunit 2; minus strand). Cytogenetic location: 10p12.1.
Variant type: single nucleotide variant.
Coding change: c.1985A>T on transcript NM_018076.5 (MANE Select); coding-DNA position 1985, A replaced by T.
Protein change: p.Glu662Val; replaces glutamic acid 662 with valine.
Molecular consequence: missense variant.
Genome position (GRCh38, 1-based): chr10:27,940,564, T>A on the plus strand (A>T on the coding strand, the complement: ODAD2 is on the minus strand). VCF-style: chr10-27940564-T-A. GRCh37 (hg19) VCF-style: chr10-28229493-T-A.
Other names: c.1985A>T, p.Glu662Val (NM_001290020.2); c.560A>T, p.Glu187Val (NM_001290021.2); c.1061A>T, p.Glu354Val (NM_001312689.2); short protein forms E187V, E354V, E662V.
Identifiers: ClinVar variation 1023553 (VCV001023553.7), dbSNP rs749842787, ClinGen allele CA5453361.